The following is an entry in ClinVar:

ClinVar aggregate classification (germline): Uncertain significance (1 of 4 stars; one submission).

Conditions:
Hereditary spastic paraplegia. Also called: Familial spastic paraparesis. Identifiers: Orphanet 685, MedGen C0037773, MONDO:0019064. Disease mechanism: loss of function.

Allele frequency attached by ClinVar (database versions not stated): gnomAD exomes below 0.00001.
gnomAD v4.1: 1 of 1,612,812 alleles (0.000062%); highest among the groups gnomAD compares: South Asian, 0.0011%; no homozygotes.

Submission:

Labcorp Genetics (formerly Invitae), Labcorp
Classification: Uncertain significance for Hereditary spastic paraplegia. Last evaluated: 2024-05-06. Review status: criteria provided, single submitter. Criteria: Invitae Variant Classification Sherloc (09022015). Collection method: clinical testing. Allele origin: germline.
Comment: This sequence change replaces glycine, which is neutral and non-polar, with glutamic acid, which is acidic and polar, at codon 840 of the USP8 protein (p.Gly840Glu). This variant is not present in population databases (gnomAD no frequency). This variant has not been reported in the literature in individuals affected with USP8-related conditions. ClinVar contains an entry for this variant (Variation ID: 2016045). An algorithm developed to predict the effect of missense changes on protein structure and function (PolyPhen-2) suggests that this variant is likely to be disruptive. In summary, the available evidence is currently insufficient to determine the role of this variant in disease. Therefore, it has been classified as a Variant of Uncertain Significance.

NM_005154.5(USP8):c.2519G>A (p.Gly840Glu)

Genes: USP50 (ubiquitin specific peptidase 50; minus strand), USP8 (ubiquitin specific peptidase 8; plus strand). Cytogenetic location: 15q21.2.
Variant type: single nucleotide variant.
Coding change: c.2519G>A on transcript NM_005154.5 (MANE Select); coding-DNA position 2519, G replaced by A.
Protein change: p.Gly840Glu; replaces glycine 840 with glutamic acid.
Molecular consequence: missense variant.
Genome position (GRCh38, 1-based): chr15:50,494,141, G>A. VCF-style: chr15-50494141-G-A. GRCh37 (hg19) VCF-style: chr15-50786338-G-A.
Other names: c.2519G>A, p.Gly840Glu (NM_001128610.3); c.2201G>A, p.Gly734Glu (NM_001283049.2); short protein forms G734E, G840E.
Identifiers: ClinVar variation 2016045 (VCV002016045.4), dbSNP rs2541994045, ClinGen allele CA392401415.